The following is an entry in ClinVar:

NM_005188.4(CBL):c.118_129dup (p.Leu43_Ser44insHisHisHisLeu)

Genes: CBL (Cbl proto-oncogene; plus strand), LOC130006895 (ATAC-STARR-seq lymphoblastoid silent region 3975; plus strand). Cytogenetic location: 11q23.3.
Variant type: Duplication.
Coding change: c.118_129dup on transcript NM_005188.4 (MANE Select); coding-DNA positions 118 to 129, 12 bases duplicated (CACCACCACCTC).
Protein change: p.Leu43_Ser44insHisHisHisLeu.
Molecular consequence: inframe insertion.
Genome position (GRCh38, 1-based): chr11:119,206,535-119,206,546, CACCACCACCTC duplicated; duplicating any 12 consecutive bases within chr11:119,206,534-119,206,546 gives the same sequence; the c. name uses the placement nearest the transcript's 3' end. VCF-style (leftmost placement, unchanged base first): chr11-119206533-A-ACCACCACCACCT. GRCh37 (hg19) VCF-style: chr11-119077243-A-ACCACCACCACCT.
Other names: c.118_129dup12 (NM_005188.4).
Identifiers: ClinVar variation 3336021 (VCV003336021.1).
Genomic context (GRCh38, chr11:119,206,533, plus strand): 5'-GCTCGGGTTCGGGTGGCCTGATTGGGCTCATGAAGGACGCCTTCCAGCCGCACCACCACC[A>ACCACCACCACCT]CCACCACCACCTCAGCCCCCACCCGCCGGGGACGGTGGACAAGAAGATGGTGGAGAAGTG-3'

ClinVar aggregate classification (germline): Uncertain significance (1 of 4 stars; one submission).

Submission:

Women's Health and Genetics/Laboratory Corporation of America, LabCorp
Classification: Uncertain significance. Last evaluated: 2024-05-13. Review status: criteria provided, single submitter. Criteria: LabCorp Variant Classification Summary - May 2015. Collection method: clinical testing. Allele origin: germline.
Comment: Variant summary: CBL c.118_129dup12 (p.His40_Leu43dup) results in an in-frame duplication that is predicted to duplicate four amino acids into the encoded protein. The variant was absent in 155772 control chromosomes. The available data on variant occurrences in the general population are insufficient to allow any conclusion about variant significance. To our knowledge, no occurrence of c.118_129dup12 in individuals affected with Noonan Syndrome-Like Disorder and no experimental evidence demonstrating its impact on protein function have been reported. No submitters have cited clinical-significance assessments for this variant to ClinVar. Based on the evidence outlined above, the variant was classified as uncertain significance.